The following is an entry in ClinVar:

ClinVar aggregate classification (germline): Pathogenic (1 of 4 stars; one submission).

Conditions:
Ehlers-Danlos syndrome, dermatosparaxis type. Also called: EDS VIIC; Dermatosparaxis; Ehlers-Danlos syndrome, type VII, autosomal recessive. Identifiers: Orphanet 1901, MedGen C2700425, MONDO:0009161, OMIM 225410.

Submission:

Labcorp Genetics (formerly Invitae), Labcorp
Classification: Pathogenic for Ehlers-Danlos syndrome, dermatosparaxis type. Last evaluated: 2021-07-31. Review status: criteria provided, single submitter. Criteria: Invitae Variant Classification Sherloc (09022015). Collection method: clinical testing. Allele origin: germline.
Comment: For these reasons, this variant has been classified as Pathogenic. This variant has not been reported in the literature in individuals affected with ADAMTS2-related conditions. This variant is not present in population databases (ExAC no frequency). This sequence change creates a premature translational stop signal (p.Val92Serfs*73) in the ADAMTS2 gene. It is expected to result in an absent or disrupted protein product. Loss-of-function variants in ADAMTS2 are known to be pathogenic (PMID: 10417273).

Literature cited by the submitters: PubMed 10417273.

NM_014244.5(ADAMTS2):c.274del (p.Val92fs)

Gene: ADAMTS2 (ADAM metallopeptidase with thrombospondin type 1 motif 2; minus strand). Cytogenetic location: 5q35.3.
Variant type: Deletion.
Coding change: c.274del on transcript NM_014244.5 (MANE Select); coding-DNA position 274, one base deleted (G; older notation c.274delG).
Protein change: p.Val92fs; shifts the reading frame from valine 92.
Molecular consequence: frameshift variant.
Genome position (GRCh38, 1-based): chr5:179,344,027, C deleted on the plus strand (G on the coding strand, the reverse complement: ADAMTS2 is on the minus strand); the first of 2 consecutive C bases (chr5:179,344,027-179,344,028); deleting either gives the same sequence. VCF-style (leftmost placement, unchanged base first): chr5-179344026-AC-A. GRCh37 (hg19) VCF-style: chr5-178771027-AC-A.
Other names: c.274del, p.Val92fs (NM_021599.4); short protein forms V92fs.
Identifiers: ClinVar variation 1453000 (VCV001453000.6), dbSNP rs2127463432, ClinGen allele CA2573139438.